The following is an entry in ClinVar:

NM_021927.3(GUF1):c.748C>T (p.Arg250Cys)

Gene: GUF1 (GTP binding elongation factor GUF1; plus strand). Cytogenetic location: 4p12.
Variant type: single nucleotide variant.
Coding change: c.748C>T on transcript NM_021927.3 (MANE Select); coding-DNA position 748, C replaced by T.
Protein change: p.Arg250Cys; replaces arginine 250 with cysteine.
Molecular consequence: missense variant. On other transcripts: 5 prime UTR variant (2).
Genome position (GRCh38, 1-based): chr4:44,686,523, C>T. VCF-style: chr4-44686523-C-T. GRCh37 (hg19) VCF-style: chr4-44688540-C-T.
Other names: c.-225C>T (NM_001345867.2, NM_001345869.2); c.748C>T, p.Arg250Cys (NM_001345868.2); short protein forms R250C.
Identifiers: ClinVar variation 445372 (VCV000445372.44), dbSNP rs116062572, ClinGen allele CA2905431.

ClinVar aggregate classification (germline): Conflicting classifications of pathogenicity. Review status: criteria provided, conflicting classifications (1 of 4 stars). 5 submissions from 5 submitters: Uncertain significance (1); Likely benign (3). 1 of the submissions does not count toward it. Last evaluated 2026-09-01.

Conditions:
GUF1-related disorder. Also called: GUF1-related condition.

Allele frequency attached by ClinVar (database versions not stated): 1000 Genomes Project 30x 0.00250; gnomAD 0.00308 and 0.00319; TOPMed 0.00309; ESP Exome Variant Server 0.00315; gnomAD exomes 0.00399 and 0.00234; 1000 Genomes Project 0.00220; ExAC 0.00228.

Submissions (5):

CeGaT Center for Human Genetics Tuebingen
Classification: Likely benign. Last evaluated: 2026-09-01. Review status: criteria provided, single submitter. Criteria: CeGaT Center For Human Genetics Tuebingen Variant Classification Criteria Version 2. Collection method: clinical testing. Allele origin: germline. Affected: yes. Observed: 13 variant alleles.
Comment: GUF1: BP4, BS2

Labcorp Genetics (formerly Invitae), Labcorp
Classification: Likely benign. Last evaluated: 2026-02-02. Review status: criteria provided, single submitter. Criteria: Invitae Variant Classification Sherloc (09022015). Collection method: clinical testing. Allele origin: germline.

Blueprint Genetics
Classification: Likely benign. Last evaluated: 2024-11-19. Review status: criteria provided, single submitter. Criteria: ACMG Guidelines, 2015. Collection method: clinical testing. Allele origin: germline.

Center for Pediatric Genomic Medicine, Children's Mercy Hospital and Clinics
Classification: Uncertain significance. Last evaluated: 2017-03-20. Review status: criteria provided, single submitter. Criteria: ACMG Guidelines, 2015. Collection method: clinical testing. Allele origin: germline.

PreventionGenetics, part of Exact Sciences
Classification: Likely benign for GUF1-related condition. Last evaluated: 2019-12-06. Review status: no assertion criteria provided. Collection method: clinical testing. Allele origin: germline. Not counted in ClinVar's aggregate classification.
Comment: This variant is classified as likely benign based on ACMG/AMP sequence variant interpretation guidelines (Richards et al. 2015 PMID: 25741868, with internal and published modifications).